The following is an entry in ClinVar:

NM_001130438.3(SPTAN1):c.6817C>G (p.Leu2273Val)

Gene: SPTAN1 (spectrin alpha, non-erythrocytic 1; plus strand). Cytogenetic location: 9q34.11.
Variant type: single nucleotide variant.
Coding change: c.6817C>G on transcript NM_001130438.3 (MANE Select); coding-DNA position 6817, C replaced by G.
Protein change: p.Leu2273Val; replaces leucine 2273 with valine.
Molecular consequence: missense variant.
Genome position (GRCh38, 1-based): chr9:128,632,181, C>G. VCF-style: chr9-128632181-C-G. GRCh37 (hg19) VCF-style: chr9-131394460-C-G.
Other names: c.6742C>G, p.Leu2248Val (NM_001195532.2); c.6880C>G, p.Leu2294Val (NM_001363759.2); c.6757C>G, p.Leu2253Val (NM_001363765.2, NM_001375314.2); c.6904C>G, p.Leu2302Val (NM_001375310.1); c.6817C>G, p.Leu2273Val (NM_001375311.2); c.6853C>G, p.Leu2285Val (NM_001375312.2); c.6799C>G, p.Leu2267Val (NM_001375313.1); c.6916C>G, p.Leu2306Val (NM_001375318.1); and 1 more; short protein forms L2248V, L2253V, L2267V, L2268V, L2273V, L2285V, L2294V, L2302V.
Identifiers: ClinVar variation 3608898 (VCV003608898.2).

ClinVar aggregate classification (germline): Uncertain significance (1 of 4 stars; one submission).

Conditions:
Early-infantile DEE. Also called: Early infantile epileptic encephalopathy; Ohtahara syndrome; Early infantile epileptic encephalopathy with suppression bursts. Identifiers: Orphanet 1934, MedGen C0393706, MONDO:0800491.

Submission:

Labcorp Genetics (formerly Invitae), Labcorp
Classification: Uncertain significance for Early-infantile DEE. Last evaluated: 2024-06-26. Review status: criteria provided, single submitter. Criteria: Invitae Variant Classification Sherloc (09022015). Collection method: clinical testing. Allele origin: germline.
Comment: This sequence change replaces leucine, which is neutral and non-polar, with valine, which is neutral and non-polar, at codon 2273 of the SPTAN1 protein (p.Leu2273Val). This variant is not present in population databases (gnomAD no frequency). This variant has not been reported in the literature in individuals affected with SPTAN1-related conditions. Advanced modeling of protein sequence and biophysical properties (such as structural, functional, and spatial information, amino acid conservation, physicochemical variation, residue mobility, and thermodynamic stability) has been performed at Invitae for this missense variant, however the output from this modeling did not meet the statistical confidence thresholds required to predict the impact of this variant on SPTAN1 protein function. In summary, the available evidence is currently insufficient to determine the role of this variant in disease. Therefore, it has been classified as a Variant of Uncertain Significance.